The following is an entry in ClinVar:

NM_001942.4(DSG1):c.2660G>A (p.Arg887Gln)

Genes: DSG1 (desmoglein 1; plus strand), DSG1-AS1 (DSG1 antisense RNA 1; minus strand). Cytogenetic location: 18q12.1.
Variant type: single nucleotide variant.
Coding change: c.2660G>A on transcript NM_001942.4 (MANE Select); coding-DNA position 2660, G replaced by A.
Protein change: p.Arg887Gln; replaces arginine 887 with glutamine.
Molecular consequence: missense variant.
Genome position (GRCh38, 1-based): chr18:31,354,856, G>A. VCF-style: chr18-31354856-G-A. GRCh37 (hg19) VCF-style: chr18-28934819-G-A.
Other names: c.2660G>A (NM_001942.2); short protein forms R887Q.
Identifiers: ClinVar variation 2185224 (VCV002185224.6), dbSNP rs368044134, ClinGen allele CA8926424.

ClinVar aggregate classification (germline): Uncertain significance. Review status: criteria provided, multiple submitters, no conflicts (2 of 4 stars). 2 submissions from 2 submitters: Uncertain significance (2). Last evaluated 2025-07-21.

Conditions:
Inborn genetic diseases. Identifiers: MedGen C0950123, MeSH D030342.

Allele frequency attached by ClinVar (database versions not stated): ExAC 0.00005; gnomAD 0.00007; TOPMed 0.00007; ESP Exome Variant Server 0.00008.
gnomAD v4.1: 67 of 1,614,038 alleles (0.0042%); highest among the groups gnomAD compares: African/African-American, 0.0053%; no homozygotes.

Submissions (2):

Labcorp Genetics (formerly Invitae), Labcorp
Classification: Uncertain significance. Last evaluated: 2025-07-21. Review status: criteria provided, single submitter. Criteria: Invitae Variant Classification Sherloc (09022015). Collection method: clinical testing. Allele origin: germline.
Comment: This sequence change replaces arginine, which is basic and polar, with glutamine, which is neutral and polar, at codon 887 of the DSG1 protein (p.Arg887Gln). This variant is present in population databases (rs368044134, gnomAD 0.006%). This variant has not been reported in the literature in individuals affected with DSG1-related conditions. ClinVar contains an entry for this variant (Variation ID: 2185224). An algorithm developed to predict the effect of missense changes on protein structure and function (PolyPhen-2) suggests that this variant is likely to be disruptive. In summary, the available evidence is currently insufficient to determine the role of this variant in disease. Therefore, it has been classified as a Variant of Uncertain Significance.

Ambry Genetics
Classification: Uncertain significance for Inborn genetic diseases. Last evaluated: 2025-06-03. Review status: criteria provided, single submitter. Criteria: Ambry Variant Classification Scheme 2023. Collection method: clinical testing. Allele origin: germline.